The following is an entry in ClinVar:

ClinVar aggregate classification (germline): Pathogenic/Likely pathogenic. Review status: criteria provided, multiple submitters, no conflicts (2 of 4 stars). 2 submissions from 2 submitters: Pathogenic (1); Likely pathogenic (1). Last evaluated 2024-08-12.

Conditions:
Seckel syndrome 5 (SCKL5). Identifiers: Orphanet 808, MedGen C3151187, MONDO:0013443, OMIM 613823.
Microcephaly 9, primary, autosomal recessive. Identifiers: Orphanet 2512, MedGen C3553886, MONDO:0013923, OMIM 614852.

Submissions (2):

Labcorp Genetics (formerly Invitae), Labcorp
Classification: Pathogenic. Last evaluated: 2024-08-12. Review status: criteria provided, single submitter. Criteria: Invitae Variant Classification Sherloc (09022015). Collection method: clinical testing. Allele origin: germline.
Comment: This sequence change creates a premature translational stop signal (p.Glu301Aspfs*4) in the CEP152 gene. It is expected to result in an absent or disrupted protein product. Loss-of-function variants in CEP152 are known to be pathogenic (PMID: 21131973). This variant is not present in population databases (gnomAD no frequency). This variant has not been reported in the literature in individuals affected with CEP152-related conditions. For these reasons, this variant has been classified as Pathogenic.

Fulgent Genetics
Classification: Likely pathogenic for Seckel syndrome 5; Microcephaly 9, primary, autosomal recessive. Last evaluated: 2024-02-14. Review status: criteria provided, single submitter. Criteria: ACMG Guidelines, 2015. Collection method: clinical testing. Allele origin: germline.

Literature cited by the submitters: PubMed 21131973 (cited by Labcorp Genetics (formerly Invitae), Labcorp).

NM_001194998.2(CEP152):c.903_904del (p.Glu301fs)

Gene: CEP152 (centrosomal protein 152; minus strand). Cytogenetic location: 15q21.1.
Variant type: Microsatellite.
Coding change: c.903_904del on transcript NM_001194998.2 (MANE Select); coding-DNA positions 903 to 904, 2 bases deleted (GA; older notation c.903_904delGA).
Protein change: p.Glu301fs; shifts the reading frame from glutamic acid 301.
Molecular consequence: frameshift variant.
Genome position (GRCh38, 1-based): chr15:48,791,305-48,791,306, TC deleted on the plus strand (GA on the coding strand, the reverse complement: CEP152 is on the minus strand); deleting any 2 consecutive bases within chr15:48,791,305-48,791,311 gives the same sequence; the c. name uses the placement nearest the transcript's 3' end. VCF-style (leftmost placement, unchanged base first): chr15-48791304-ATC-A. GRCh37 (hg19) VCF-style: chr15-49083501-ATC-A.
Other names: c.903_904del, p.Glu301fs (NM_014985.4); short protein forms E301fs.
Identifiers: ClinVar variation 2715024 (VCV002715024.4), dbSNP rs1421061751, ClinGen allele CA713422297.